The following is an entry in ClinVar:

ClinVar aggregate classification (germline): Uncertain significance. Review status: criteria provided, multiple submitters, no conflicts (2 of 4 stars). 2 submissions from 2 submitters: Uncertain significance (2). Last evaluated 2025-12-16.

Conditions:
Inborn genetic diseases. Identifiers: MedGen C0950123, MeSH D030342.

Allele frequency attached by ClinVar (database versions not stated): gnomAD 0.00010; gnomAD exomes 0.00013 and 0.00018; ESP Exome Variant Server 0.00015; ExAC 0.00019; TOPMed 0.00008.
gnomAD v4.1: 270 of 1,605,912 alleles (0.017%); highest among the groups gnomAD compares: Non-Finnish European, 0.022%; no homozygotes.

Submissions (2):

Ambry Genetics
Classification: Uncertain significance for Inborn genetic diseases. Last evaluated: 2025-12-16. Review status: criteria provided, single submitter. Criteria: Ambry Variant Classification Scheme 2023. Collection method: clinical testing. Allele origin: germline.

Labcorp Genetics (formerly Invitae), Labcorp
Classification: Uncertain significance. Last evaluated: 2022-07-06. Review status: criteria provided, single submitter. Criteria: Invitae Variant Classification Sherloc (09022015). Collection method: clinical testing. Allele origin: germline.
Comment: This sequence change replaces proline, which is neutral and non-polar, with serine, which is neutral and polar, at codon 297 of the GZF1 protein (p.Pro297Ser). The frequency data for this variant in the population databases is considered unreliable, as metrics indicate poor data quality at this position in the gnomAD database. This variant has not been reported in the literature in individuals affected with GZF1-related conditions. ClinVar contains an entry for this variant (Variation ID: 1473167). Algorithms developed to predict the effect of missense changes on protein structure and function are either unavailable or do not agree on the potential impact of this missense change (SIFT: "Not Available"; PolyPhen-2: "Benign"; Align-GVGD: "Not Available"). In summary, the available evidence is currently insufficient to determine the role of this variant in disease. Therefore, it has been classified as a Variant of Uncertain Significance.

NM_022482.5(GZF1):c.889C>T (p.Pro297Ser)

Gene: GZF1 (GDNF inducible zinc finger protein 1; plus strand). Cytogenetic location: 20p11.21.
Variant type: single nucleotide variant.
Coding change: c.889C>T on transcript NM_022482.5 (MANE Select); coding-DNA position 889, C replaced by T.
Protein change: p.Pro297Ser; replaces proline 297 with serine.
Molecular consequence: missense variant.
Genome position (GRCh38, 1-based): chr20:23,365,272, C>T. VCF-style: chr20-23365272-C-T. GRCh37 (hg19) VCF-style: chr20-23345909-C-T.
Other names: c.889C>T, p.Pro297Ser (NM_001317012.2, NM_001317019.1); c.889C>T (NM_022482.3); short protein forms P297S.
Identifiers: ClinVar variation 1473167 (VCV001473167.7), dbSNP rs141101185, ClinGen allele CA9788590.